The following is an entry in ClinVar:

ClinVar aggregate classification (germline): Uncertain significance. Review status: criteria provided, multiple submitters, no conflicts (2 of 4 stars). 3 submissions from 3 submitters: Uncertain significance (3). Last evaluated 2024-02-26.

Conditions:
Ehlers-Danlos syndrome, type 4 (EDSVASC). Also called: Ehlers-Danlos Syndrome Type IV; Ehlers-Danlos syndrome vascular type; Ehlers Danlos syndrome, ecchymotic type; Ehlers Danlos syndrome, arterial type; Ehlers Danlos syndrome, Sack-Barabas type. Identifiers: Orphanet 286, MedGen C0268338, MONDO:0017314, OMIM 130050.
Familial thoracic aortic aneurysm and aortic dissection (TAAD). Also called: Thoracic aortic aneurysms and dissections. Identifiers: Orphanet 91387, MedGen C4707243, MONDO:0019625.

Submissions (3):

Labcorp Genetics (formerly Invitae), Labcorp
Classification: Uncertain significance for Ehlers-Danlos syndrome, type 4. Last evaluated: 2024-02-26. Review status: criteria provided, single submitter. Criteria: Invitae Variant Classification Sherloc (09022015). Collection method: clinical testing. Allele origin: germline.
Comment: This sequence change replaces phenylalanine, which is neutral and non-polar, with valine, which is neutral and non-polar, at codon 1356 of the COL3A1 protein (p.Phe1356Val). This variant is not present in population databases (gnomAD no frequency). This variant has not been reported in the literature in individuals affected with COL3A1-related conditions. ClinVar contains an entry for this variant (Variation ID: 922200). Advanced modeling of protein sequence and biophysical properties (such as structural, functional, and spatial information, amino acid conservation, physicochemical variation, residue mobility, and thermodynamic stability) has been performed at Invitae for this missense variant, however the output from this modeling did not meet the statistical confidence thresholds required to predict the impact of this variant on COL3A1 protein function. In summary, the available evidence is currently insufficient to determine the role of this variant in disease. Therefore, it has been classified as a Variant of Uncertain Significance.

Color Diagnostics, LLC DBA Color Health
Classification: Uncertain significance for Familial thoracic aortic aneurysm and aortic dissection. Last evaluated: 2023-12-05. Review status: criteria provided, single submitter. Criteria: ACMG Guidelines, 2015. Collection method: clinical testing. Allele origin: germline.
Comment: Variant of Uncertain Significance due to insufficient evidence: This missense variant replaces phenylalanine with valine at codon 1356 of the COL3A1 protein. Computational prediction tools and conservation analyses suggest that this variant may have deleterious impact on the protein function. Computational splicing tools suggest that this variant may not impact RNA splicing. To our knowledge, functional assays have not been performed for this variant nor has this variant been reported in individuals affected with cardiovascular disorders in the literature. This variant is rare in the general population and has been identified in 0/277264 chromosomes by the Genome Aggregation Database (gnomAD). Available evidence is insufficient to determine the role of this variant in disease conclusively.

Phosphorus, Inc.
Classification: Uncertain significance. Last evaluated: 2022-01-18. Review status: criteria provided, single submitter. Criteria: ACMG Guidelines, 2015. Collection method: clinical testing. Allele origin: germline. Inheritance: Autosomal dominant inheritance.
Comment: This missense variant results in a substitution of phenylalanine with valine at codon 1356 of the COL3A1 gene (transcript NM_000090.3). This variant has been reported in ClinVar (922200) NM_000090.4 (COL3A1):c.4066T>G (p.Phe1356Val). The variant has not occurred in population databases. This position is conserved. In silico functional algorithms agree, predicting it as possibly damaging (PolyPhen) and deleterious (SIFT), but no functional studies were performed to confirm these predictions. The variant has not occurred in the literature associated with the disease. In conclusion, the available evidence is insufficient to determine the pathogenicity of this variant. Therefore, it is classified as a Variant of Uncertain Significance.

NM_000090.4(COL3A1):c.4066T>G (p.Phe1356Val)

Gene: COL3A1 (collagen type III alpha 1 chain; plus strand). Cytogenetic location: 2q32.2.
Variant type: single nucleotide variant.
Coding change: c.4066T>G on transcript NM_000090.4 (MANE Select); coding-DNA position 4066, T replaced by G.
Protein change: p.Phe1356Val; replaces phenylalanine 1356 with valine.
Molecular consequence: missense variant.
Genome position (GRCh38, 1-based): chr2:189,010,702, T>G. VCF-style: chr2-189010702-T-G. GRCh37 (hg19) VCF-style: chr2-189875428-T-G.
Other names: short protein forms F1356V.
Identifiers: ClinVar variation 922200 (VCV000922200.17), dbSNP rs945183835, ClinGen allele CA62564370.